The following is an entry in ClinVar:

ClinVar aggregate classification (germline): Uncertain significance (1 of 4 stars; one submission).

Submission:

Mayo Clinic Laboratories, Mayo Clinic
Classification: Uncertain significance. Last evaluated: 2024-07-16. Review status: criteria provided, single submitter. Criteria: ACMG Guidelines, 2015. Collection method: clinical testing. Allele origin: germline. Observed: 1 variant allele.
Comment: BP1, BP4, PM2

NM_000435.3(NOTCH3):c.4885G>T (p.Val1629Leu)

Gene: NOTCH3 (notch receptor 3; minus strand). Cytogenetic location: 19p13.12.
Variant type: single nucleotide variant.
Coding change: c.4885G>T on transcript NM_000435.3 (MANE Select); coding-DNA position 4885, G replaced by T.
Protein change: p.Val1629Leu; replaces valine 1629 with leucine.
Molecular consequence: missense variant.
Genome position (GRCh38, 1-based): chr19:15,170,677, C>A on the plus strand (G>T on the coding strand, the complement: NOTCH3 is on the minus strand). VCF-style: chr19-15170677-C-A. GRCh37 (hg19) VCF-style: chr19-15281488-C-A.
Other names: p.Val1629Leu; short protein forms V1629L.
Identifiers: ClinVar variation 3380590 (VCV003380590.1).